The following is an entry in ClinVar:

NM_016592.5(GNAS):c.114C>T (p.Ser38=)

Genes: GNAS (GNAS complex locus; plus strand), GNAS-AS1 (GNAS antisense RNA 1; minus strand). Cytogenetic location: 20q13.32.
Variant type: single nucleotide variant.
Coding change: c.114C>T on transcript NM_016592.5 (MANE Plus Clinical); coding-DNA position 114, C replaced by T.
Protein change: p.Ser38=; no amino-acid change (serine 38 retained).
Molecular consequence: synonymous variant. On other transcripts: 5 prime UTR variant (1).
Genome position (GRCh38, 1-based): chr20:58,840,220, C>T. VCF-style: chr20-58840220-C-T. GRCh37 (hg19) VCF-style: chr20-57415275-C-T.
Other names: c.-624C>T (NM_001410912.1).
Identifiers: ClinVar variation 3349511 (VCV003349511.1).

ClinVar aggregate classification (germline): Likely benign (0 of 4 stars; one submission).

Conditions:
GNAS-related disorder. Identifiers: MedGen CN380105.

gnomAD v4.1: 2 of 1,611,142 alleles (0.00012%); highest among the groups gnomAD compares: Non-Finnish European, 0.00017%; no homozygotes.

Submission:

PreventionGenetics, part of Exact Sciences
Classification: Likely benign for GNAS-related condition. Last evaluated: 2024-04-17. Review status: no assertion criteria provided. Collection method: clinical testing. Allele origin: germline.
Comment: This variant is classified as likely benign based on ACMG/AMP sequence variant interpretation guidelines (Richards et al. 2015 PMID: 25741868, with internal and published modifications).